The following is an entry in ClinVar:

NM_003924.4(PHOX2B):c.575del (p.Pro192fs)

Gene: PHOX2B (paired like homeobox 2B; minus strand). Cytogenetic location: 4p13.
Variant type: Deletion.
Coding change: c.575del on transcript NM_003924.4 (MANE Select); coding-DNA position 575, one base deleted (C; older notation c.575delC).
Protein change: p.Pro192fs; shifts the reading frame from proline 192.
Molecular consequence: frameshift variant.
Genome position (GRCh38, 1-based): chr4:41,746,177, G deleted on the plus strand (C on the coding strand, the reverse complement: PHOX2B is on the minus strand); the first of 3 consecutive G bases (chr4:41,746,177-41,746,179); deleting any one gives the same sequence. VCF-style (leftmost placement, unchanged base first): chr4-41746176-CG-C. GRCh37 (hg19) VCF-style: chr4-41748193-CG-C.
Other names: c.573delC, p.Pro192Argfs (NM_003924.3); short protein forms P192fs.
Identifiers: ClinVar variation 2446299 (VCV002446299.2), dbSNP rs2552096878, ClinGen allele CA2580071015.

ClinVar aggregate classification (germline): Likely pathogenic (1 of 4 stars; one submission).

Submission:

GeneDx
Classification: Likely pathogenic. Last evaluated: 2024-07-05. Review status: criteria provided, single submitter. Criteria: GeneDx Variant Classification Process June 2021. Collection method: clinical testing. Allele origin: germline.
Comment: Frameshift variant predicted to result in abnormal protein length as the last 123 amino acids are replaced with 116 different amino acids, and other similar variants have been reported in HGMD; Not observed at significant frequency in large population cohorts (gnomAD); This variant is associated with the following publications: (PMID: 33958749, 18438890, 24077912)